The following is an entry in ClinVar:

ClinVar aggregate classification (germline): Uncertain significance (1 of 4 stars; one submission).

Submission:

Labcorp Genetics (formerly Invitae), Labcorp
Classification: Uncertain significance. Last evaluated: 2022-11-03. Review status: criteria provided, single submitter. Criteria: Invitae Variant Classification Sherloc (09022015). Collection method: clinical testing. Allele origin: germline.
Comment: Algorithms developed to predict the effect of missense changes on protein structure and function are either unavailable or do not agree on the potential impact of this missense change (SIFT: "Deleterious"; PolyPhen-2: "Probably Damaging"; Align-GVGD: "Class C0"). In summary, the available evidence is currently insufficient to determine the role of this variant in disease. Therefore, it has been classified as a Variant of Uncertain Significance. This sequence change replaces tryptophan, which is neutral and slightly polar, with cysteine, which is neutral and slightly polar, at codon 275 of the SIAE protein (p.Trp275Cys). This variant is not present in population databases (gnomAD no frequency). This variant has not been reported in the literature in individuals affected with SIAE-related conditions. ClinVar contains an entry for this variant (Variation ID: 1437737).

NM_170601.5(SIAE):c.825G>C (p.Trp275Cys)

Gene: SIAE (sialic acid acetylesterase; minus strand). Cytogenetic location: 11q24.2.
Variant type: single nucleotide variant.
Coding change: c.825G>C on transcript NM_170601.5 (MANE Select); coding-DNA position 825, G replaced by C.
Protein change: p.Trp275Cys; replaces tryptophan 275 with cysteine.
Molecular consequence: missense variant.
Genome position (GRCh38, 1-based): chr11:124,648,073, C>G on the plus strand (G>C on the coding strand, the complement: SIAE is on the minus strand). VCF-style: chr11-124648073-C-G. GRCh37 (hg19) VCF-style: chr11-124517969-C-G.
Other names: c.720G>C, p.Trp240Cys (NM_001199922.2); short protein forms W275C, W240C.
Identifiers: ClinVar variation 1437737 (VCV001437737.6), dbSNP rs762038674, ClinGen allele CA383149145.